The following is an entry in ClinVar:

ClinVar aggregate classification (germline): Uncertain significance. Review status: criteria provided, multiple submitters, no conflicts (2 of 4 stars). 2 submissions from 2 submitters: Uncertain significance (2). Last evaluated 2024-01-25.

Conditions:
Neonatal-onset encephalopathy with rigidity and seizures. Also called: Lethal neonatal spasticity-epileptic encephalopathy syndrome. Identifiers: Orphanet 435845, MedGen C3281029, MONDO:0013784, OMIM 614498.

Allele frequency attached by ClinVar (database versions not stated): gnomAD exomes 0.00001; gnomAD 0.00007; ESP Exome Variant Server 0.00008; TOPMed 0.00009.
gnomAD v4.1: 41 of 1,612,834 alleles (0.0025%); highest among the groups gnomAD compares: African/African-American, 0.029%; no homozygotes.

Submissions (2):

Labcorp Genetics (formerly Invitae), Labcorp
Classification: Uncertain significance for Neonatal-onset encephalopathy with rigidity and seizures. Last evaluated: 2024-01-25. Review status: criteria provided, single submitter. Criteria: Invitae Variant Classification Sherloc (09022015). Collection method: clinical testing. Allele origin: germline.
Comment: This sequence change replaces threonine, which is neutral and polar, with methionine, which is neutral and non-polar, at codon 349 of the BRAT1 protein (p.Thr349Met). This variant is present in population databases (rs112658000, gnomAD 0.01%). This variant has not been reported in the literature in individuals affected with BRAT1-related conditions. ClinVar contains an entry for this variant (Variation ID: 472927). Advanced modeling of protein sequence and biophysical properties (such as structural, functional, and spatial information, amino acid conservation, physicochemical variation, residue mobility, and thermodynamic stability) performed at Invitae indicates that this missense variant is not expected to disrupt BRAT1 protein function with a negative predictive value of 80%. In summary, the available evidence is currently insufficient to determine the role of this variant in disease. Therefore, it has been classified as a Variant of Uncertain Significance.

GeneDx
Classification: Uncertain significance. Last evaluated: 2022-01-06. Review status: criteria provided, single submitter. Criteria: GeneDx Variant Classification Process June 2021. Collection method: clinical testing. Allele origin: germline. Affected: yes.
Comment: Has not been previously published as pathogenic or benign to our knowledge; Not observed at significant frequency in large population cohorts (gnomAD); In silico analysis supports that this missense variant does not alter protein structure/function

NM_152743.4(BRAT1):c.1046C>T (p.Thr349Met)

Gene: BRAT1 (BRCA1 associated ATM activator 1; minus strand). Cytogenetic location: 7p22.3.
Variant type: single nucleotide variant.
Coding change: c.1046C>T on transcript NM_152743.4 (MANE Select); coding-DNA position 1046, C replaced by T.
Protein change: p.Thr349Met; replaces threonine 349 with methionine.
Molecular consequence: missense variant. On other transcripts: non-coding transcript variant (1).
Genome position (GRCh38, 1-based): chr7:2,541,806, G>A on the plus strand (C>T on the coding strand, the complement: BRAT1 is on the minus strand). VCF-style: chr7-2541806-G-A. GRCh37 (hg19) VCF-style: chr7-2581440-G-A.
Other names: c.1046C>T, p.Thr349Met (NM_001350626.2); c.521C>T, p.Thr174Met (NM_001350627.2); short protein forms T349M, T174M.
Identifiers: ClinVar variation 472927 (VCV000472927.8), dbSNP rs112658000, ClinGen allele CA4127951.
Genomic context (GRCh38, chr7:2,541,806, plus strand): 5'-AGGGTGCGGCACAGGAGGCCGGCGCAGGACGACTTGGAGGCCAGGAGTGTGTCCACCGTC[G>A]TGGCATCGTCTGCCGTCCCGTCCAGCAAGCCTGGGGGCCAAGCCAGGAAGAGCTCCCTTA-3'
Protein context (NP_689956.2, residues 339-359): GLLDGTADDA[Thr349Met]TVDTLLASKS